The following is an entry in ClinVar:

ClinVar aggregate classification (germline): Uncertain significance (1 of 4 stars; one submission).

Conditions:
Hypertrophic cardiomyopathy 26. Also called: Cardiomyopathy, familial hypertrophic, 26. Identifiers: Orphanet 75249, MedGen C4310749, MONDO:0014883, OMIM 617047.
Distal myopathy with posterior leg and anterior hand involvement. Also called: WILLIAMS DISTAL MYOPATHY. Identifiers: Orphanet 63273, MedGen C3279722, MONDO:0013550, OMIM 614065.
Myofibrillar myopathy 5. Also called: Filaminopathy (type); FILAMINOPATHY, AUTOSOMAL DOMINANT. Identifiers: Orphanet 171445, MedGen C1836050, MONDO:0012289, OMIM 609524.

Submission:

Labcorp Genetics (formerly Invitae), Labcorp
Classification: Uncertain significance for Distal myopathy with posterior leg and anterior hand involvement; Myofibrillar myopathy 5; Hypertrophic cardiomyopathy 26. Last evaluated: 2022-07-14. Review status: criteria provided, single submitter. Criteria: Invitae Variant Classification Sherloc (09022015). Collection method: clinical testing. Allele origin: germline.
Comment: Algorithms developed to predict the effect of missense changes on protein structure and function output the following: SIFT: "Deleterious"; PolyPhen-2: "Benign"; Align-GVGD: "Class C0". The histidine amino acid residue is found in multiple mammalian species, which suggests that this missense change does not adversely affect protein function. This sequence change replaces glutamine, which is neutral and polar, with histidine, which is basic and polar, at codon 1835 of the FLNC protein (p.Gln1835His). This variant is not present in population databases (gnomAD no frequency). This variant has not been reported in the literature in individuals affected with FLNC-related conditions. In summary, the available evidence is currently insufficient to determine the role of this variant in disease. Therefore, it has been classified as a Variant of Uncertain Significance.

NM_001458.5(FLNC):c.5505G>C (p.Gln1835His)

Genes: FLNC (filamin C; plus strand), FLNC-AS1 (FLNC antisense RNA 1; minus strand). Cytogenetic location: 7q32.1.
Variant type: single nucleotide variant.
Coding change: c.5505G>C on transcript NM_001458.5 (MANE Select); coding-DNA position 5505, G replaced by C.
Protein change: p.Gln1835His; replaces glutamine 1835 with histidine.
Molecular consequence: missense variant.
Genome position (GRCh38, 1-based): chr7:128,850,909, G>C. VCF-style: chr7-128850909-G-C. GRCh37 (hg19) VCF-style: chr7-128490963-G-C.
Other names: c.5406G>C, p.Gln1802His (NM_001127487.2); short protein forms Q1802H, Q1835H.
Identifiers: ClinVar variation 1722053 (VCV001722053.6), dbSNP rs2536654814, ClinGen allele CA369206931.